The following is an entry in ClinVar:

NM_000094.4(COL7A1):c.8609G>A (p.Trp2870Ter)

Gene: COL7A1 (collagen type VII alpha 1 chain; minus strand). Cytogenetic location: 3p21.31.
Variant type: single nucleotide variant.
Coding change: c.8609G>A on transcript NM_000094.4 (MANE Select); coding-DNA position 8609, G replaced by A.
Protein change: p.Trp2870Ter; replaces tryptophan 2870 with a stop codon.
Molecular consequence: nonsense.
Genome position (GRCh38, 1-based): chr3:48,565,120, C>T on the plus strand (G>A on the coding strand, the complement: COL7A1 is on the minus strand). VCF-style: chr3-48565120-C-T. GRCh37 (hg19) VCF-style: chr3-48602553-C-T.
Other names: short protein forms W2870*.
Identifiers: ClinVar variation 2856029 (VCV002856029.3), dbSNP rs2530799093, ClinGen allele CA352633819.

ClinVar aggregate classification (germline): Pathogenic (1 of 4 stars; one submission).

Submission:

Labcorp Genetics (formerly Invitae), Labcorp
Classification: Pathogenic. Last evaluated: 2023-04-14. Review status: criteria provided, single submitter. Criteria: Invitae Variant Classification Sherloc (09022015). Collection method: clinical testing. Allele origin: germline.
Comment: This sequence change creates a premature translational stop signal (p.Trp2870*) in the COL7A1 gene. It is expected to result in an absent or disrupted protein product. Loss-of-function variants in COL7A1 are known to be pathogenic (PMID: 16971478). This variant is not present in population databases (gnomAD no frequency). This variant has not been reported in the literature in individuals affected with COL7A1-related conditions. For these reasons, this variant has been classified as Pathogenic.

Literature cited by the submitters: PubMed 16971478.